The following is an entry in ClinVar:

NM_002303.6(LEPR):c.347A>C (p.Asn116Thr)

Gene: LEPR (leptin receptor; plus strand). Cytogenetic location: 1p31.3.
Variant type: single nucleotide variant.
Coding change: c.347A>C on transcript NM_002303.6 (MANE Select); coding-DNA position 347, A replaced by C.
Protein change: p.Asn116Thr; replaces asparagine 116 with threonine.
Molecular consequence: missense variant.
Genome position (GRCh38, 1-based): chr1:65,570,779, A>C. VCF-style: chr1-65570779-A-C. GRCh37 (hg19) VCF-style: chr1-66036462-A-C.
Other names: c.347A>C, p.Asn116Thr (NM_001003679.3, NM_001003680.3, NM_001198687.2 and 2 more transcripts); short protein forms N116T.
Identifiers: ClinVar variation 3356453 (VCV003356453.1).

ClinVar aggregate classification (germline): Uncertain significance (0 of 4 stars; one submission).

Conditions:
LEPR-related disorder. Also called: LEPR-related condition; LEPR-related disorders.

Submission:

PreventionGenetics, part of Exact Sciences
Classification: Uncertain significance for LEPR-related condition. Last evaluated: 2024-08-05. Review status: no assertion criteria provided. Collection method: clinical testing. Allele origin: germline.
Comment: The LEPR c.347A>C variant is predicted to result in the amino acid substitution p.Asn116Thr. This variant was observed in a cohort of individuals with obesity, and in vitro functional studies showed function similar to wild-type levels (Supplemental Data Set, Shah et al. 2023. PubMed ID: 36864747). This variant has not been reported in gnomAD, indicating this variant is rare. At this time, the clinical significance of this variant is uncertain due to the absence of conclusive functional and genetic evidence.